The following is an entry in ClinVar:

NM_006440.5(TXNRD2):c.1289A>T (p.His430Leu)

Gene: TXNRD2 (thioredoxin reductase 2; minus strand). Cytogenetic location: 22q11.21.
Variant type: single nucleotide variant.
Coding change: c.1289A>T on transcript NM_006440.5 (MANE Select); coding-DNA position 1289, A replaced by T.
Protein change: p.His430Leu; replaces histidine 430 with leucine.
Molecular consequence: missense variant. On other transcripts: non-coding transcript variant (1).
Genome position (GRCh38, 1-based): chr22:19,878,424, T>A on the plus strand (A>T on the coding strand, the complement: TXNRD2 is on the minus strand). VCF-style: chr22-19878424-T-A. GRCh37 (hg19) VCF-style: chr22-19865947-T-A.
Other names: c.1286A>T, p.His429Leu (NM_001352300.2); c.1199A>T, p.His400Leu (NM_001352301.2); c.1001A>T, p.His334Leu (NM_001352302.2); short protein forms H334L, H400L, H429L, H430L.
Identifiers: ClinVar variation 3464752 (VCV003464752.1).

ClinVar aggregate classification (germline): Uncertain significance (1 of 4 stars; one submission).

Conditions:
Cardiovascular phenotype. Identifiers: MedGen CN230736.

gnomAD v4.1: 2 of 1,613,618 alleles (0.00012%); highest among the groups gnomAD compares: Non-Finnish European, 0.00017%; no homozygotes.

Submission:

Ambry Genetics
Classification: Uncertain significance for Cardiovascular phenotype. Last evaluated: 2024-09-11. Review status: criteria provided, single submitter. Criteria: Ambry Variant Classification Scheme 2023. Collection method: clinical testing. Allele origin: germline.
Comment: The p.H430L variant (also known as c.1289A>T), located in coding exon 15 of the TXNRD2 gene, results from an A to T substitution at nucleotide position 1289. The histidine at codon 430 is replaced by leucine, an amino acid with similar properties. This amino acid position is conserved. In addition, the in silico prediction for this alteration is inconclusive. Based on the available evidence, the clinical significance of this variant remains unclear.